The following is an entry in ClinVar:

ClinVar aggregate classification (germline): Conflicting classifications of pathogenicity. Review status: criteria provided, conflicting classifications (1 of 4 stars). 15 submissions from 15 submitters: Uncertain significance (14); Likely benign (1). Last evaluated 2026-10-01.

Conditions:
BARD1-related cancer predisposition. Identifiers: MedGen CN377756, MONDO:0700267.
Familial ovarian cancer. Identifiers: MedGen C5679802, MONDO:0016248.
Hereditary cancer-predisposing syndrome. Also called: Neoplastic Syndromes, Hereditary; Hereditary Cancer Syndrome; Tumor predisposition; Hereditary neoplastic syndrome. Identifiers: Orphanet 140162, MedGen C0027672, MeSH D009386, MONDO:0015356.
Familial cancer of breast. Also called: hereditary breast carcinoma; BREAST CANCER, FAMILIAL; Hereditary breast cancer. Identifiers: Orphanet 227535, MedGen C0346153, MONDO:0016419, OMIM 114480. Disease mechanism: loss of function.

Allele frequency attached by ClinVar (database versions not stated): gnomAD 0.00001; ExAC 0.00002; gnomAD exomes 0.00002; TOPMed 0.00002.
gnomAD v4.1: 41 of 1,613,920 alleles (0.0025%); highest among the groups gnomAD compares: Middle Eastern, 0.016%; no homozygotes.

Submissions 1 to 9 of 15:

St. Jude Molecular Pathology, St. Jude Children's Research Hospital
Classification: Uncertain significance for Familial cancer of breast. Last evaluated: 2026-10-01. Review status: criteria provided, single submitter. Criteria: St. Jude Assertion Criteria 2020. Collection method: clinical testing. Allele origin: germline.
Comment: The BARD1 c.1718T>C p.(Ile573Thr) missense change has a maximum subpopulation frequency of 0.005% in gnomAD v2.1.1. The in silico tool REVEL predicts a deleterious effect on protein function, but to our knowledge this prediction has not been confirmed by functional studies. This variant has been reported in individuals with breast cancer (P MID: 31036035, 31159747). In summary, the evidence currently available is insufficient to determine the clinical significance of this variant. It has therefore been classified as of uncertain significance.

Dasa
Classification: Uncertain significance. Last evaluated: 2026-04-15. Review status: criteria provided, single submitter. Criteria: DASA Assertion Criteria. Collection method: clinical testing. Allele origin: germline.
Comment: NM_000465.4(BARD1):c.1718T>C (p.Ile573Thr) is a missense variant that results in the substitution of isoleucine with threonine. This variant is rare in population databases. Computational prediction algorithms are consistent with a deleterious effect. The currently available literature and clinical evidence are not sufficient to establish a definitive association between this variant and the reported condition. Therefore, this variant is classified as a variant of uncertain significance.

Labcorp Genetics (formerly Invitae), Labcorp
Classification: Uncertain significance for Familial cancer of breast. Last evaluated: 2026-01-13. Review status: criteria provided, single submitter. Criteria: Invitae Variant Classification Sherloc (09022015). Collection method: clinical testing. Allele origin: germline.
Comment: This sequence change replaces isoleucine, which is neutral and non-polar, with threonine, which is neutral and polar, at codon 573 of the BARD1 protein (p.Ile573Thr). This variant is present in population databases (rs587780022, gnomAD 0.005%). This missense change has been observed in individual(s) with neuroblastoma and/or personal or family history of breast and/or ovarian cancer (PMID: 27009842, 27878467, 31036035, 31871109, 32658311, 33552952, 35595798). ClinVar contains an entry for this variant (Variation ID: 127722). An algorithm developed to predict the effect of missense changes on protein structure and function (PolyPhen-2) suggests that this variant is likely to be disruptive. In summary, the available evidence is currently insufficient to determine the role of this variant in disease. Therefore, it has been classified as a Variant of Uncertain Significance.

Center for Genomic Medicine, Rigshospitalet, Copenhagen University Hospital
Classification: Uncertain significance. Last evaluated: 2025-12-29. Review status: criteria provided, single submitter. Criteria: ACMG Guidelines, 2015. Collection method: clinical testing. Allele origin: germline.

Ambry Genetics
Classification: Uncertain significance for Hereditary cancer-predisposing syndrome. Last evaluated: 2025-06-12. Review status: criteria provided, single submitter. Criteria: Ambry Variant Classification Scheme 2023. Collection method: clinical testing. Allele origin: germline.
Comment: The p.I573T variant (also known as c.1718T>C), located in coding exon 8 of the BARD1 gene, results from a T to C substitution at nucleotide position 1718. The isoleucine at codon 573 is replaced by threonine, an amino acid with similar properties. This variant has been detected in a cohorts of individuals who underwent multi-gene panel testing for hereditary cancer (Yadav S et al. Fam Cancer, 2017 07;16:319-328; Tsaousis GN et al. BMC Cancer, 2019 Jun;19:535; Benito-S&aacute;nchez B et al. Sci Rep, 2022 May;12:8547) as well as an individual with neuroblastoma (Lasorsa VA et al. Oncotarget, 2016 Apr;7:21840-52). This variant has also been reported in large breast cancer cohorts but has also been identified in several healthy control individuals (Weber-Lassalle N et al. Breast Cancer Res, 2019 04;21:55; Adedokun B et al. Cancer Epidemiol Biomarkers Prev, 2020 02;29:359-367; Kadri MSN et al. Front Oncol, 2020 Jan;10:568786; Akcay IM et al. Int J Cancer, 2021 Jan;148:285-295; Dorling et al. N Engl J Med. 2021 02;384:428-439; Agaoglu NB et al. Cancer Med, 2024 Feb;13:e6852). This amino acid position is well conserved in available vertebrate species. In addition, the in silico prediction for this alteration is inconclusive. Based on the available evidence, the clinical significance of this variant remains unclear.

Blueprint Genetics
Classification: Uncertain significance. Last evaluated: 2024-11-26. Review status: criteria provided, single submitter. Criteria: ACMG Guidelines, 2015. Collection method: clinical testing. Allele origin: germline.

GeneDx
Classification: Uncertain significance. Last evaluated: 2024-01-03. Review status: criteria provided, single submitter. Criteria: GeneDx Variant Classification Process June 2021. Collection method: clinical testing. Allele origin: germline. Affected: yes.
Comment: Observed in individuals with breast cancer, ovarian cancer, or neuroblastoma (PMID: 31036035, 27009842, 33552952); In silico analysis supports that this missense variant has a deleterious effect on protein structure/function; This variant is associated with the following publications: (PMID: 27878467, 33552952, 31036035, 31871109, 27009842, 32658311, 31159747, 17550235, 33471991, 35595798)

Quest Diagnostics Nichols Institute San Juan Capistrano
Classification: Uncertain significance. Last evaluated: 2023-12-29. Review status: criteria provided, single submitter. Criteria: Quest Diagnostics criteria. Collection method: clinical testing. Allele origin: unknown.
Comment: The BARD1 c.1718T>C (p.Ile573Thr) variant has been reported in the published literature in individuals with breast cancer (PMIDs: 33471991 (2021), 33552952 (2020), 31036035 (2019)), neuroblastoma (PMID: 27009842 (2016)), and personal or family history of breast, ovarian, or other hereditary cancer (PMIDs: 35595798 (2022), 31159747 (2019), 27878467 (2017)). In addition, this variant has been observed in reportedly healthy individuals (PMIDs: 32658311 (2021), 33471991 (2021), see also LOVD). The frequency of this variant in the general population, 0.000046 (6/129044 chromosomes (Genome Aggregation Database)), is uninformative in the assessment of its pathogenicity. Analysis of this variant using bioinformatics tools for the prediction of the effect of amino acid changes on protein structure and function yielded conflicting predictions that this variant is benign or damaging. Based on the available information, we are unable to determine the clinical significance of this variant.

Women's Health and Genetics/Laboratory Corporation of America, LabCorp
Classification: Uncertain significance. Last evaluated: 2023-12-11. Review status: criteria provided, single submitter. Criteria: LabCorp Variant Classification Summary - May 2015. Collection method: clinical testing. Allele origin: germline.
Comment: Variant summary: BARD1 c.1718T>C (p.Ile573Thr) results in a non-conservative amino acid change located in the BRCT domain (IPR001357) of the encoded protein sequence. Five of five in-silico tools predict a damaging effect of the variant on protein function. The variant allele was found at a frequency of 2.8e-05 in 251686 control chromosomes (gnomAD and Akcay_2020). The available data on variant occurrences in the general population are insufficient to allow any conclusion about variant significance. c.1718T>C has been reported in the literature in individuals with a personal or family history of breast or ovarian cancer (e.g., Yadav_2016, Adedokun_2020, Kadri_2021, Weber-Lasalle_2019, Benito-Sanchez_2022) as well as an individual affected with neuroblastoma (e.g., Lasorsa_2016). These reports however, do not provide unequivocal conclusions about association of the variant with Hereditary Breast and Ovarian Cancer Syndrome. To our knowledge, no experimental evidence demonstrating an impact on protein function has been reported. The following publications have been ascertained in the context of this evaluation (PMID: 31871109, 32658311, 35595798, 33552952, 27009842, 31036035, 27878467). Nine submitters have reported this variant to ClinVar after 2014 with conflicting interpretations (VUS, n = 8; likely benign, n = 1). Based on the evidence outlined above, the variant was classified as uncertain significance.

NM_000465.4(BARD1):c.1718T>C (p.Ile573Thr)

Gene: BARD1 (BRCA1 associated RING domain 1; minus strand). Cytogenetic location: 2q35.
Variant type: single nucleotide variant.
Coding change: c.1718T>C on transcript NM_000465.4 (MANE Select); coding-DNA position 1718, T replaced by C.
Protein change: p.Ile573Thr; replaces isoleucine 573 with threonine.
Molecular consequence: missense variant. On other transcripts: non-coding transcript variant (3), intron variant (1).
Genome position (GRCh38, 1-based): chr2:214,745,814, A>G on the plus strand (T>C on the coding strand, the complement: BARD1 is on the minus strand). VCF-style: chr2-214745814-A-G. GRCh37 (hg19) VCF-style: chr2-215610538-A-G.
Other names: p.I573T:ATA>ACA; c.1661T>C, p.Ile554Thr (NM_001282543.2); c.365T>C, p.Ile122Thr (NM_001282545.2); c.308T>C, p.Ile103Thr (NM_001282548.2); c.365-15306T>C (NM_001282549.2); short protein forms I573T, I554T, I103T, I122T.
Identifiers: ClinVar variation 127722 (VCV000127722.43), dbSNP rs587780022, ClinGen allele CA287522.